The following is an entry in ClinVar:

NM_001375834.1(WIPF1):c.430C>G (p.Pro144Ala)

Gene: WIPF1 (WAS/WASL interacting protein family member 1; minus strand). Cytogenetic location: 2q31.1.
Variant type: single nucleotide variant.
Coding change: c.430C>G on transcript NM_001375834.1 (MANE Select); coding-DNA position 430, C replaced by G.
Protein change: p.Pro144Ala; replaces proline 144 with alanine.
Molecular consequence: missense variant. On other transcripts: intron variant (1).
Genome position (GRCh38, 1-based): chr2:174,572,375, G>C on the plus strand (C>G on the coding strand, the complement: WIPF1 is on the minus strand). VCF-style: chr2-174572375-G-C. GRCh37 (hg19) VCF-style: chr2-175437103-G-C.
Other names: c.430C>G, p.Pro144Ala (NM_001077269.1, NM_001375832.1, NM_001375833.1 and 5 more transcripts); c.182-130C>G (NM_001375839.1); short protein forms P144A.
Identifiers: ClinVar variation 966257 (VCV000966257.11), dbSNP rs144275492, ClinGen allele CA1974126.

ClinVar aggregate classification (germline): Uncertain significance. Review status: criteria provided, multiple submitters, no conflicts (2 of 4 stars). 2 submissions from 2 submitters: Uncertain significance (2). Last evaluated 2023-06-30.

Conditions:
Inborn genetic diseases. Identifiers: MedGen C0950123, MeSH D030342.
Wiskott-Aldrich syndrome 2 (WAS2). Also called: WIPF1 DEFICIENCY. Identifiers: Orphanet 906, MedGen C3281001, MONDO:0013779, OMIM 614493.

gnomAD v4.1: 6 of 1,614,160 alleles (0.00037%); highest among the groups gnomAD compares: Non-Finnish European, 0.00025%; no homozygotes.

Submissions (2):

Ambry Genetics
Classification: Uncertain significance for Inborn genetic diseases. Last evaluated: 2023-06-30. Review status: criteria provided, single submitter. Criteria: Ambry Variant Classification Scheme 2023. Collection method: clinical testing. Allele origin: germline.

Labcorp Genetics (formerly Invitae), Labcorp
Classification: Uncertain significance for Wiskott-Aldrich syndrome 2. Last evaluated: 2022-08-09. Review status: criteria provided, single submitter. Criteria: Invitae Variant Classification Sherloc (09022015). Collection method: clinical testing. Allele origin: germline.
Comment: In summary, the available evidence is currently insufficient to determine the role of this variant in disease. Therefore, it has been classified as a Variant of Uncertain Significance. Algorithms developed to predict the effect of missense changes on protein structure and function are either unavailable or do not agree on the potential impact of this missense change (SIFT: "Not Available"; PolyPhen-2: "Benign"; Align-GVGD: "Not Available"). ClinVar contains an entry for this variant (Variation ID: 966257). This variant has not been reported in the literature in individuals affected with WIPF1-related conditions. This variant is present in population databases (rs144275492, gnomAD 0.0009%). This sequence change replaces proline, which is neutral and non-polar, with alanine, which is neutral and non-polar, at codon 144 of the WIPF1 protein (p.Pro144Ala).